The following is an entry in ClinVar:

NM_001164508.2(NEB):c.1016C>T (p.Ala339Val)

Gene: NEB (nebulin; minus strand). Cytogenetic location: 2q23.3.
Variant type: single nucleotide variant.
Coding change: c.1016C>T on transcript NM_001164508.2 (MANE Select); coding-DNA position 1016, C replaced by T.
Protein change: p.Ala339Val; replaces alanine 339 with valine.
Molecular consequence: missense variant.
Genome position (GRCh38, 1-based): chr2:151,709,675, G>A on the plus strand (C>T on the coding strand, the complement: NEB is on the minus strand). VCF-style: chr2-151709675-G-A. GRCh37 (hg19) VCF-style: chr2-152566189-G-A.
Other names: c.1016C>T, p.Ala339Val (NM_001164507.2, NM_001271208.2, NM_004543.5); short protein forms A339V.
Identifiers: ClinVar variation 2419532 (VCV002419532.4), dbSNP rs773309817, ClinGen allele CA1911716.

ClinVar aggregate classification (germline): Uncertain significance (1 of 4 stars; one submission).

Conditions:
Nemaline myopathy 2 (NEM2). Also called: Nemaline myopathy 2, autosomal recessive. Identifiers: MedGen C1850569, MONDO:0009725, OMIM 256030.

Allele frequency attached by ClinVar (database versions not stated): gnomAD exomes below 0.00001; ExAC 0.00002.
gnomAD v4.1: 4 of 1,598,406 alleles (0.00025%); highest among the groups gnomAD compares: South Asian, 0.0011%; no homozygotes.

Submission:

Labcorp Genetics (formerly Invitae), Labcorp
Classification: Uncertain significance for Nemaline myopathy 2. Last evaluated: 2025-06-09. Review status: criteria provided, single submitter. Criteria: Invitae Variant Classification Sherloc (09022015). Collection method: clinical testing. Allele origin: germline.
Comment: This sequence change replaces alanine, which is neutral and non-polar, with valine, which is neutral and non-polar, at codon 339 of the NEB protein (p.Ala339Val). The frequency data for this variant in the population databases is considered unreliable, as metrics indicate poor data quality at this position in the gnomAD database. This variant has not been reported in the literature in individuals affected with NEB-related conditions. ClinVar contains an entry for this variant (Variation ID: 2419532). Experimental studies and prediction algorithms are not available or were not evaluated, and the functional significance of this variant is currently unknown. In summary, the available evidence is currently insufficient to determine the role of this variant in disease. Therefore, it has been classified as a Variant of Uncertain Significance.